The following is an entry in ClinVar:

NM_000053.4(ATP7B):c.3252A>C (p.Gly1084=)

Gene: ATP7B (ATPase copper transporting beta; minus strand). Cytogenetic location: 13q14.3.
Variant type: single nucleotide variant.
Coding change: c.3252A>C on transcript NM_000053.4 (MANE Select); coding-DNA position 3252, A replaced by C.
Protein change: p.Gly1084=; no amino-acid change (glycine 1084 retained).
Molecular consequence: synonymous variant.
Genome position (GRCh38, 1-based): chr13:51,942,546, T>G on the plus strand (A>C on the coding strand, the complement: ATP7B is on the minus strand). VCF-style: chr13-51942546-T-G. GRCh37 (hg19) VCF-style: chr13-52516682-T-G.
Other names: c.2631A>C, p.Gly877= (NM_001005918.3); c.2919A>C, p.Gly973= (NM_001243182.2); c.3018A>C, p.Gly1006= (NM_001330578.2); c.3000A>C, p.Gly1000= (NM_001330579.2).
Identifiers: ClinVar variation 1124376 (VCV001124376.28), dbSNP rs2138859015, ClinGen allele CA483894527.
Genomic context (GRCh38, chr13:51,942,546, plus strand): 5'-GCACCCAATTCCACAGCCTGGCACTGCCTGGAAGTCCGTGCAGTATCCCAAGGTCTCTGT[T>G]CCAAGTTCCTGGGAAGGTGGAAAGAGAGGAAGAGGAAACTGTAAGCCAAGAGGGGTGAAG-3'
Protein context (NP_000044.2, residues 1074-1094): AVTKYCKEEL[Gly1084=]TETLGYCTDF

ClinVar aggregate classification (germline): Likely benign. Review status: criteria provided, multiple submitters, no conflicts (2 of 4 stars). 2 submissions from 2 submitters: Likely benign (2). Last evaluated 2022-07-01.

Conditions:
Wilson disease (WND). Also called: Wilson's disease. Identifiers: Orphanet 905, MedGen C0019202, MONDO:0010200, OMIM 277900. Disease mechanism: loss of function.

Submissions (2):

CeGaT Center for Human Genetics Tuebingen
Classification: Likely benign. Last evaluated: 2022-07-01. Review status: criteria provided, single submitter. Criteria: CeGaT Center For Human Genetics Tuebingen Variant Classification Criteria Version 2. Collection method: clinical testing. Allele origin: germline. Affected: yes. Observed: 1 variant allele.
Comment: ATP7B: PM2:Supporting, BP4, BP7

Labcorp Genetics (formerly Invitae), Labcorp
Classification: Likely benign for Wilson disease. Last evaluated: 2021-07-12. Review status: criteria provided, single submitter. Criteria: Invitae Variant Classification Sherloc (09022015). Collection method: clinical testing. Allele origin: germline.